The following is an entry in ClinVar:

NM_006767.4(LZTR1):c.886C>T (p.Leu296Phe)

Gene: LZTR1 (leucine zipper like post translational regulator 1; plus strand). Cytogenetic location: 22q11.21.
Variant type: single nucleotide variant.
Coding change: c.886C>T on transcript NM_006767.4 (MANE Select); coding-DNA position 886, C replaced by T.
Protein change: p.Leu296Phe; replaces leucine 296 with phenylalanine.
Molecular consequence: missense variant.
Genome position (GRCh38, 1-based): chr22:20,991,722, C>T. VCF-style: chr22-20991722-C-T. GRCh37 (hg19) VCF-style: chr22-21346011-C-T.
Other names: short protein forms L296F.
Identifiers: ClinVar variation 2447702 (VCV002447702.3), dbSNP rs2518617173, ClinGen allele CA410781350.

ClinVar aggregate classification (germline): Uncertain significance. Review status: criteria provided, multiple submitters, no conflicts (2 of 4 stars). 2 submissions from 2 submitters: Uncertain significance (2). Last evaluated 2025-12-14.

Conditions:
Cardiovascular phenotype. Identifiers: MedGen CN230736.
Hereditary cancer-predisposing syndrome. Also called: Neoplastic Syndromes, Hereditary; Hereditary Cancer Syndrome; Tumor predisposition; Hereditary neoplastic syndrome. Identifiers: Orphanet 140162, MedGen C0027672, MeSH D009386, MONDO:0015356.

Submissions (2):

Labcorp Genetics (formerly Invitae), Labcorp
Classification: Uncertain significance. Last evaluated: 2025-12-14. Review status: criteria provided, single submitter. Criteria: Invitae Variant Classification Sherloc (09022015). Collection method: clinical testing. Allele origin: germline.
Comment: This sequence change replaces leucine, which is neutral and non-polar, with phenylalanine, which is neutral and non-polar, at codon 296 of the LZTR1 protein (p.Leu296Phe). This variant is not present in population databases (gnomAD no frequency). This variant has not been reported in the literature in individuals affected with LZTR1-related conditions. ClinVar contains an entry for this variant (Variation ID: 2447702). Invitae Evidence Modeling of protein sequence and biophysical properties (such as structural, functional, and spatial information, amino acid conservation, physicochemical variation, residue mobility, and thermodynamic stability) indicates that this missense variant is not expected to disrupt LZTR1 protein function with a negative predictive value of 80%. In summary, the available evidence is currently insufficient to determine the role of this variant in disease. Therefore, it has been classified as a Variant of Uncertain Significance.

Ambry Genetics
Classification: Uncertain significance for Cardiovascular phenotype; Hereditary cancer-predisposing syndrome. Last evaluated: 2022-11-17. Review status: criteria provided, single submitter. Criteria: Ambry Variant Classification Scheme 2023. Collection method: clinical testing. Allele origin: germline.
Comment: The p.L296F variant (also known as c.886C>T), located in coding exon 9 of the LZTR1 gene, results from a C to T substitution at nucleotide position 886. The leucine at codon 296 is replaced by phenylalanine, an amino acid with highly similar properties. This amino acid position is conserved. In addition, the in silico prediction for this alteration is inconclusive. Since supporting evidence is limited at this time, the clinical significance of this alteration remains unclear.